The following is an entry in ClinVar:

ClinVar aggregate classification (germline): Likely pathogenic. Review status: criteria provided, multiple submitters, no conflicts (2 of 4 stars). 2 submissions from 2 submitters: Likely pathogenic (2). Last evaluated 2022-09-05.

Conditions:
Cystic fibrosis (CF). Also called: MUCOVISCIDOSIS. Identifiers: Orphanet 586, MedGen C0010674, MONDO:0009061, OMIM 219700. Disease mechanism: loss of function.

Allele frequency attached by ClinVar (database versions not stated): gnomAD exomes below 0.00001.
gnomAD v4.1: 1 of 1,613,474 alleles (0.000062%); highest among the groups gnomAD compares: Non-Finnish European, 0.000085%; no homozygotes.

Submissions (2):

Institute of Human Genetics, University of Leipzig Medical Center
Classification: Likely pathogenic for Cystic fibrosis. Last evaluated: 2022-09-05. Review status: criteria provided, single submitter. Criteria: ACMG Guidelines, 2015. Collection method: curation. Allele origin: unknown. Affected: yes. Observed: 4 variant alleles.
Comment: This variant was identified in 4 unrelated patients with a clinically confirmed diagnosis of cystic fibrosis. The variant was classified in the context of a project re-classifying variants in the German Cystic Fibrosis Registry (Muko.e.V.). Criteria applied: PS3_SUP, PM3_STR, PM2_SUP, PP3, PP4

Mayo Clinic Laboratories, Mayo Clinic
Classification: Likely pathogenic. Last evaluated: 2020-08-26. Review status: criteria provided, single submitter. Criteria: ACMG Guidelines, 2015. Collection method: clinical testing. Allele origin: germline. Observed: 1 variant allele.
Comment: PS4_moderate, PM2, PM3, PP3

Literature cited by the submitters: PubMed 15987793 (cited by Mayo Clinic Laboratories, Mayo Clinic); PubMed 19359437 (cited by Mayo Clinic Laboratories, Mayo Clinic).

NM_000492.4(CFTR):c.3259G>C (p.Ala1087Pro)

Genes: CFTR (CF transmembrane conductance regulator; plus strand), CFTR-AS2 (CFTR antisense RNA 2; minus strand), LOC111674472 (DNase I hypersensitive sites in introns 16 and 17a of CFTR; plus strand). Cytogenetic location: 7q31.2.
Variant type: single nucleotide variant.
Coding change: c.3259G>C on transcript NM_000492.4 (MANE Select); coding-DNA position 3259, G replaced by C.
Protein change: p.Ala1087Pro; replaces alanine 1087 with proline.
Molecular consequence: missense variant.
Genome position (GRCh38, 1-based): chr7:117,611,700, G>C. VCF-style: chr7-117611700-G-C. GRCh37 (hg19) VCF-style: chr7-117251754-G-C.
Other names: short protein forms A1087P.
Identifiers: ClinVar variation 1163287 (VCV001163287.6), dbSNP rs771259493, ClinGen allele CA368992288.